The following is an entry in ClinVar:

ClinVar aggregate classification (germline): Uncertain significance (1 of 4 stars; one submission).

Conditions:
Gastrointestinal stromal tumor. Also called: Gastrointestinal stromal tumor, somatic; Gastrointestinal stroma tumor. Identifiers: Orphanet 44890, MedGen C0238198, MeSH D046152, MONDO:0011719, OMIM 606764, HP:0100723.

Submission:

Labcorp Genetics (formerly Invitae), Labcorp
Classification: Uncertain significance for Gastrointestinal stromal tumor. Last evaluated: 2019-11-04. Review status: criteria provided, single submitter. Criteria: Invitae Variant Classification Sherloc (09022015). Collection method: clinical testing. Allele origin: germline.
Comment: This sequence change replaces glutamic acid with glycine at codon 229 of the PDGFRA protein (p.Glu229Gly). The glutamic acid residue is moderately conserved and there is a moderate physicochemical difference between glutamic acid and glycine. This variant is not present in population databases (ExAC no frequency). This variant has not been reported in the literature in individuals with PDGFRA-related conditions. Algorithms developed to predict the effect of missense changes on protein structure and function are either unavailable or do not agree on the potential impact of this missense change (SIFT: "Deleterious"; PolyPhen-2: "Probably Damaging"; Align-GVGD: "Class C0"). In summary, the available evidence is currently insufficient to determine the role of this variant in disease. Therefore, it has been classified as a Variant of Uncertain Significance.

NM_006206.6(PDGFRA):c.686A>G (p.Glu229Gly)

Gene: PDGFRA (platelet derived growth factor receptor alpha; plus strand). Cytogenetic location: 4q12.
Variant type: single nucleotide variant.
Coding change: c.686A>G on transcript NM_006206.6 (MANE Select); coding-DNA position 686, A replaced by G.
Protein change: p.Glu229Gly; replaces glutamic acid 229 with glycine.
Molecular consequence: missense variant.
Genome position (GRCh38, 1-based): chr4:54,264,976, A>G. VCF-style: chr4-54264976-A-G. GRCh37 (hg19) VCF-style: chr4-55131143-A-G.
Other names: c.686A>G, p.Glu229Gly (NM_001347827.2, NM_001347829.2); c.761A>G, p.Glu254Gly (NM_001347828.2); c.725A>G, p.Glu242Gly (NM_001347830.2); short protein forms E242G, E229G, E254G.
Identifiers: ClinVar variation 966824 (VCV000966824.10), dbSNP rs1722954555, ClinGen allele CA356890875.